The following is an entry in ClinVar:

NM_001365276.2(TNXB):c.6287C>T (p.Pro2096Leu)

Gene: TNXB (tenascin XB; minus strand). Cytogenetic location: 6p21.33.
Variant type: single nucleotide variant.
Coding change: c.6287C>T on transcript NM_001365276.2 (MANE Select); coding-DNA position 6287, C replaced by T.
Protein change: p.Pro2096Leu; replaces proline 2096 with leucine.
Molecular consequence: missense variant.
Genome position (GRCh38, 1-based): chr6:32,067,918, G>A on the plus strand (C>T on the coding strand, the complement: TNXB is on the minus strand). VCF-style: chr6-32067918-G-A. GRCh37 (hg19) VCF-style: chr6-32035695-G-A.
Other names: c.6287C>T, p.Pro2096Leu (NM_019105.8); short protein forms P2096L.
Identifiers: ClinVar variation 1326774 (VCV001326774.5), dbSNP rs534135812, ClinGen allele CA3734479.

ClinVar aggregate classification (germline): Uncertain significance. Review status: criteria provided, multiple submitters, no conflicts (2 of 4 stars). 2 submissions from 2 submitters: Uncertain significance (2). Last evaluated 2025-02-15.

Conditions:
Cardiovascular phenotype. Identifiers: MedGen CN230736.

Allele frequency attached by ClinVar (database versions not stated): 1000 Genomes Project 30x 0.00016; 1000 Genomes Project 0.00020.
gnomAD v4.1: 27 of 1,612,610 alleles (0.0017%); highest among the groups gnomAD compares: African/African-American, 0.004%; no homozygotes.

Submissions (2):

Ambry Genetics
Classification: Uncertain significance for Cardiovascular phenotype. Last evaluated: 2025-02-15. Review status: criteria provided, single submitter. Criteria: Ambry Variant Classification Scheme 2023. Collection method: clinical testing. Allele origin: germline.
Comment: The p.P2096L variant (also known as c.6287C>T), located in coding exon 17 of the TNXB gene, results from a C to T substitution at nucleotide position 6287. The proline at codon 2096 is replaced by leucine, an amino acid with similar properties. This amino acid position is conserved. In addition, the in silico prediction for this alteration is inconclusive. Since supporting evidence is limited at this time, the clinical significance of this alteration remains unclear.

GeneDx
Classification: Uncertain significance. Last evaluated: 2021-05-27. Review status: criteria provided, single submitter. Criteria: GeneDx Variant Classification Process June 2021. Collection method: clinical testing. Allele origin: germline. Affected: yes.
Comment: Has not been previously published as pathogenic or benign to our knowledge; In silico analysis supports that this missense variant has a deleterious effect on protein structure/function